The following is an entry in ClinVar:

NM_014946.4(SPAST):c.*1476A>G

Gene: SPAST (spastin; plus strand). Cytogenetic location: 2p22.3.
Variant type: single nucleotide variant.
Coding change: c.*1476A>G on transcript NM_014946.4 (MANE Select); 1476 bases downstream of the stop codon, A replaced by G.
Molecular consequence: 3 prime UTR variant.
Genome position (GRCh38, 1-based): chr2:32,155,972, A>G. VCF-style: chr2-32155972-A-G. GRCh37 (hg19) VCF-style: chr2-32381041-A-G.
Other names: c.*1476A>G (NM_001363823.2, NM_001363875.2, NM_199436.2); c.*1600A>G (NM_001377959.1).
Identifiers: ClinVar variation 335861 (VCV000335861.29), dbSNP rs760307887, ClinGen allele CA10615123.
Genomic context (GRCh38, chr2:32,155,972, plus strand): 5'-GAATACATTAAAATAAAAAACTTGCCCCTACTAGGTAAGAACTTTATAATGAAGACATAC[A>G]TTCTTCTTAATTTTACTCTTGCTCTTGTTAAAGATTTGTTTGAATATAGAAGATGCATGA-3'

ClinVar aggregate classification (germline): Conflicting classifications of pathogenicity. Review status: criteria provided, conflicting classifications (1 of 4 stars). 2 submissions from 2 submitters: Uncertain significance (1); Likely benign (1). Last evaluated 2023-04-01.

Conditions:
Hereditary spastic paraplegia 4. Also called: Spastic Paraplegia 4; Spastic paraplegia 4, autosomal dominant; Familial spastic paraplegia autosomal dominant 2. Identifiers: Orphanet 100985, MedGen C1866855, MONDO:0008438, OMIM 182601.

Allele frequency attached by ClinVar (database versions not stated): TOPMed 0.00043; gnomAD 0.00052 and 0.00056.

Submissions (2):

CeGaT Center for Human Genetics Tuebingen
Classification: Likely benign. Last evaluated: 2023-04-01. Review status: criteria provided, single submitter. Criteria: CeGaT Center For Human Genetics Tuebingen Variant Classification Criteria Version 2. Collection method: clinical testing. Allele origin: germline. Affected: yes. Observed: 1 variant allele.
Comment: SPAST: BS1

Illumina Laboratory Services, Illumina
Classification: Uncertain significance for Hereditary spastic paraplegia 4. Last evaluated: 2018-01-13. Review status: criteria provided, single submitter. Criteria: ICSL Variant Classification Criteria 13 December 2019. Collection method: clinical testing. Allele origin: germline.